The following is an entry in ClinVar:

NM_014516.4(CNOT3):c.1836_1837insATCA (p.Tyr613fs)

Gene: CNOT3 (CCR4-NOT transcription complex subunit 3; plus strand). Cytogenetic location: 19q13.42.
Variant type: Insertion.
Coding change: c.1836_1837insATCA on transcript NM_014516.4 (MANE Select); coding-DNA positions 1836 to 1837, ATCA inserted.
Protein change: p.Tyr613fs; shifts the reading frame from tyrosine 613.
Molecular consequence: frameshift variant.
Genome position: GRCh38 VCF-style: chr19-54152558-C-CATCA. GRCh37 (hg19) VCF-style: chr19-54656295-C-CATCA.
Other names: short protein forms Y613fs.
Identifiers: ClinVar variation 3387812 (VCV003387812.1).

ClinVar aggregate classification (germline): Pathogenic (1 of 4 stars; one submission).

Conditions:
Intellectual developmental disorder with speech delay, autism, and dysmorphic facies. Identifiers: MedGen C5231456, MONDO:0032864, OMIM 618672.

Submission:

Cytogenetique et Genetique Moleculaire, CHU Besancon
Classification: Pathogenic for Intellectual developmental disorder with speech delay, autism, and dysmorphic facies. Last evaluated: 2023-08-13. Review status: criteria provided, single submitter. Criteria: ACMG Guidelines, 2015. Collection method: clinical testing. Allele origin: germline. Affected: yes.
Comment: The NM_014516.4:c.1836_1837insATCA variant is an frameshift variant in CNOT3 which is predicted to result in a premature stop codon, and likely results in an absent or disrupted protein product (PVS1). This variant is not present in gnomAD (PM2; v4.1.0). In summary, this variant meets criteria to be classified as pathogenic for CNOT3-related neurodevelopmental disorders based on the ACMG/AMP criteria applied (PVS1 PM2 PM6).